The following is an entry in ClinVar:

ClinVar aggregate classification (germline): Likely benign (1 of 4 stars; one submission).

gnomAD v4.1: 86 of 1,582,094 alleles (0.0054%); highest among the groups gnomAD compares: Non-Finnish European, 0.00043%; no homozygotes.

Submission:

Mayo Clinic Laboratories, Mayo Clinic
Classification: Likely benign. Last evaluated: 2025-10-15. Review status: criteria provided, single submitter. Criteria: ACMG Guidelines, 2015. Collection method: clinical testing. Allele origin: germline. Observed: 1 variant allele.
Comment: BP4, BP7

NM_002563.5(P2RY1):c.-10G>A

Gene: P2RY1 (purinergic receptor P2Y1; plus strand). Cytogenetic location: 3q25.2.
Variant type: single nucleotide variant.
Coding change: c.-10G>A on transcript NM_002563.5 (MANE Select); 10 bases upstream of the start codon, G replaced by A.
Molecular consequence: 5 prime UTR variant.
Genome position (GRCh38, 1-based): chr3:152,835,773, G>A. VCF-style: chr3-152835773-G-A. GRCh37 (hg19) VCF-style: chr3-152553562-G-A.
Other names: p.?.
Identifiers: ClinVar variation 4684728 (VCV004684728.1).